The following is an entry in ClinVar:

ClinVar aggregate classification (germline): Uncertain significance (1 of 4 stars; one submission).

Allele frequency attached by ClinVar (database versions not stated): gnomAD exomes below 0.00001.

Submission:

Women's Health and Genetics/Laboratory Corporation of America, LabCorp
Classification: Uncertain significance. Last evaluated: 2022-04-14. Review status: criteria provided, single submitter. Criteria: LabCorp Variant Classification Summary - May 2015. Collection method: clinical testing. Allele origin: germline.
Comment: Variant summary: IRF2BPL c.1010G>A (p.Ser337Asn) results in a conservative amino acid change in the encoded protein sequence. Three of five in-silico tools predict a benign effect of the variant on protein function. The variant was absent in 244196 control chromosomes. The available data on variant occurrences in the general population are insufficient to allow any conclusion about variant significance. To our knowledge, no occurrence of c.1010G>A in individuals affected with Neurodevelopmental Disorder With Regression, Abnormal Movements, Loss Of Speech, And Seizures and no experimental evidence demonstrating its impact on protein function have been reported. No clinical diagnostic laboratories have submitted clinical-significance assessments for this variant to ClinVar after 2014. Based on the evidence outlined above, the variant was classified as uncertain significance.

NM_024496.4(IRF2BPL):c.1010G>A (p.Ser337Asn)

Gene: IRF2BPL (interferon regulatory factor 2 binding protein like; minus strand). Cytogenetic location: 14q24.3.
Variant type: single nucleotide variant.
Coding change: c.1010G>A on transcript NM_024496.4 (MANE Select); coding-DNA position 1010, G replaced by A.
Protein change: p.Ser337Asn; replaces serine 337 with asparagine.
Molecular consequence: missense variant.
Genome position (GRCh38, 1-based): chr14:77,026,783, C>T on the plus strand (G>A on the coding strand, the complement: IRF2BPL is on the minus strand). VCF-style: chr14-77026783-C-T. GRCh37 (hg19) VCF-style: chr14-77493126-C-T.
Other names: short protein forms S337N.
Identifiers: ClinVar variation 1683377 (VCV001683377.1), dbSNP rs1214159684, ClinGen allele CA390496884.